The following is an entry in ClinVar:

NM_001958.5(EEF1A2):c.768T>G (p.Ile256Met)

Gene: EEF1A2 (eukaryotic translation elongation factor 1 alpha 2; minus strand). Cytogenetic location: 20q13.33.
Variant type: single nucleotide variant.
Coding change: c.768T>G on transcript NM_001958.5 (MANE Select); coding-DNA position 768, T replaced by G.
Protein change: p.Ile256Met; replaces isoleucine 256 with methionine.
Molecular consequence: missense variant.
Genome position (GRCh38, 1-based): chr20:63,493,141, A>C on the plus strand (T>G on the coding strand, the complement: EEF1A2 is on the minus strand). VCF-style: chr20-63493141-A-C. GRCh37 (hg19) VCF-style: chr20-62124494-A-C.
Other names: short protein forms I256M.
Identifiers: ClinVar variation 4740447 (VCV004740447.1).
Genomic context (GRCh38, chr20:63,493,141, plus strand): 5'-GTCTAGGGCAGGCAGAGCTGGCCAGGCAGGAGCTCCAGCACAGCGCCCTTGCTCACCGCC[A>C]ATCTTGTACACGTCCTGCAGCGGCAGGCGCAGGGGCTTGTCCGTGGGGCGCGTGGGGGGC-3'
Protein context (NP_001949.1, residues 246-266): LRLPLQDVYK[Ile256Met]GGIGTVPVGR

ClinVar aggregate classification (germline): Uncertain significance (1 of 4 stars; one submission).

Conditions:
Developmental and epileptic encephalopathy, 33 (DEE33). Also called: Epileptic encephalopathy, early infantile, 33. Identifiers: Orphanet 442835, MedGen C4225337, MONDO:0014625, OMIM 616409.

Submission:

Labcorp Genetics (formerly Invitae), Labcorp
Classification: Uncertain significance for Developmental and epileptic encephalopathy, 33. Last evaluated: 2026-01-18. Review status: criteria provided, single submitter. Criteria: Invitae Variant Classification Sherloc (09022015). Collection method: clinical testing. Allele origin: germline.
Comment: This sequence change replaces isoleucine, which is neutral and non-polar, with methionine, which is neutral and non-polar, at codon 256 of the EEF1A2 protein (p.Ile256Met). This variant is not present in population databases (gnomAD no frequency). This variant has not been reported in the literature in individuals affected with EEF1A2-related conditions. Invitae Evidence Modeling of protein sequence and biophysical properties (such as structural, functional, and spatial information, amino acid conservation, physicochemical variation, residue mobility, and thermodynamic stability) indicates that this missense variant is expected to disrupt EEF1A2 protein function with a positive predictive value of 80%. In summary, the available evidence is currently insufficient to determine the role of this variant in disease. Therefore, it has been classified as a Variant of Uncertain Significance.